The following is an entry in ClinVar:

NM_000038.6(APC):c.7836G>A (p.Trp2612Ter)

Gene: APC (APC regulator of Wnt signaling pathway; plus strand). Cytogenetic location: 5q22.2.
Variant type: single nucleotide variant.
Coding change: c.7836G>A on transcript NM_000038.6 (MANE Select); coding-DNA position 7836, G replaced by A.
Protein change: p.Trp2612Ter; replaces tryptophan 2612 with a stop codon.
Molecular consequence: nonsense. On other transcripts: non-coding transcript variant (2).
Genome position (GRCh38, 1-based): chr5:112,843,430, G>A. VCF-style: chr5-112843430-G-A. GRCh37 (hg19) VCF-style: chr5-112179127-G-A.
Other names: c.7782G>A, p.Trp2594Ter (NM_001127511.3); c.7836G>A, p.Trp2612Ter (NM_001127510.3, NM_001354895.2, NM_001407450.1); c.7890G>A, p.Trp2630Ter (NM_001354896.2, NM_001407447.1, NM_001407448.1 and 1 more transcripts); c.7866G>A, p.Trp2622Ter (NM_001354897.2); c.7761G>A, p.Trp2587Ter (NM_001354898.2); c.7752G>A, p.Trp2584Ter (NM_001354899.2); c.7713G>A, p.Trp2571Ter (NM_001354900.2); c.7659G>A, p.Trp2553Ter (NM_001354901.2, NM_001407453.1); and 11 more; short protein forms W2486*, W2584*, W2587*, W2594*, W2605*, W2483*, W2640*, W2511*.
Identifiers: ClinVar variation 3643518 (VCV003643518.2).

ClinVar aggregate classification (germline): Pathogenic (1 of 4 stars; one submission).

Conditions:
Familial adenomatous polyposis 1 (FAP1). Also called: FAMILIAL ADENOMATOUS POLYPOSIS 1, ATTENUATED; POLYPOSIS, ADENOMATOUS INTESTINAL. Identifiers: MedGen C2713442, MONDO:0021056, OMIM 175100. Disease mechanism: loss of function.

Submission:

Labcorp Genetics (formerly Invitae), Labcorp
Classification: Pathogenic for Familial adenomatous polyposis 1. Last evaluated: 2024-04-13. Review status: criteria provided, single submitter. Criteria: Invitae Variant Classification Sherloc (09022015). Collection method: clinical testing. Allele origin: germline.
Comment: This sequence change creates a premature translational stop signal (p.Trp2612*) in the APC gene. While this is not anticipated to result in nonsense mediated decay, it is expected to disrupt the last 232 amino acid(s) of the APC protein. This variant is not present in population databases (gnomAD no frequency). This variant has not been reported in the literature in individuals affected with APC-related conditions. This variant is expected to disrupt the EB1 and HDLG binding sites, which mediate interactions with the cytoskeleton (PMID: 15311282, 17293347). While functional studies have not been performed to directly test the effect on APC protein function, this suggests that disruption of the C-terminal portion of the protein is functionally important. A different truncation (p.Tyr2645Lysfs*14) that lies downstream of this variant has been determined to be pathogenic (PMID: 9824584, 1316610, 27081525, 8381579, 22135120, Invitae). This suggests that deletion of this region of the APC protein is causative of disease. For these reasons, this variant has been classified as Pathogenic.

Literature cited by the submitters: PubMed 15311282; PubMed 17293347; PubMed 9824584; PubMed 1316610; PubMed 27081525; PubMed 8381579; PubMed 22135120.